The following is an entry in ClinVar:

ClinVar aggregate classification (germline): Uncertain significance (1 of 4 stars; one submission).

Allele frequency attached by ClinVar (database versions not stated): TOPMed 0.00002; gnomAD exomes 0.00001; ExAC 0.00002.
gnomAD v4.1: 4 of 1,613,988 alleles (0.00025%); highest among the groups gnomAD compares: Admixed American, 0.0067%; no homozygotes.

Submission:

Labcorp Genetics (formerly Invitae), Labcorp
Classification: Uncertain significance. Last evaluated: 2023-04-15. Review status: criteria provided, single submitter. Criteria: Invitae Variant Classification Sherloc (09022015). Collection method: clinical testing. Allele origin: germline.
Comment: This variant has not been reported in the literature in individuals affected with TGFB1-related conditions. In summary, the available evidence is currently insufficient to determine the role of this variant in disease. Therefore, it has been classified as a Variant of Uncertain Significance. Advanced modeling of protein sequence and biophysical properties (such as structural, functional, and spatial information, amino acid conservation, physicochemical variation, residue mobility, and thermodynamic stability) performed at Invitae indicates that this missense variant is not expected to disrupt TGFB1 protein function. ClinVar contains an entry for this variant (Variation ID: 1972775). This variant is present in population databases (rs747216224, gnomAD 0.009%). This sequence change replaces threonine, which is neutral and polar, with alanine, which is neutral and non-polar, at codon 241 of the TGFB1 protein (p.Thr241Ala).

NM_000660.7(TGFB1):c.721A>G (p.Thr241Ala)

Gene: TGFB1 (transforming growth factor beta 1; minus strand). Cytogenetic location: 19q13.2.
Variant type: single nucleotide variant.
Coding change: c.721A>G on transcript NM_000660.7 (MANE Select); coding-DNA position 721, A replaced by G.
Protein change: p.Thr241Ala; replaces threonine 241 with alanine.
Molecular consequence: missense variant.
Genome position (GRCh38, 1-based): chr19:41,342,022, T>C on the plus strand (A>G on the coding strand, the complement: TGFB1 is on the minus strand). VCF-style: chr19-41342022-T-C. GRCh37 (hg19) VCF-style: chr19-41847927-T-C.
Other names: short protein forms T241A.
Identifiers: ClinVar variation 1972775 (VCV001972775.5), dbSNP rs747216224, ClinGen allele CA9460001.
Genomic context (GRCh38, chr19:41,342,022, plus strand): 5'-TGAGAAGCAGGAAAGGCCGGTTCATGCCATGAATGGTGGCCAGGTCACCTCGGCGGCCGG[T>C]AGTGAACCCTGCTTTGGTGTGGGAGTCAGGGGATAGGGGACATACACACACACTCTCAGA-3'
Protein context (NP_000651.3, residues 231-251): TLQVDINGFT[Thr241Ala]GRRGDLATIH